The following is an entry in ClinVar:

ClinVar aggregate classification (germline): Uncertain significance. Review status: criteria provided, multiple submitters, no conflicts (2 of 4 stars). 2 submissions from 2 submitters: Uncertain significance (2). Last evaluated 2024-11-18.

Conditions:
Long QT syndrome (LQTS). Identifiers: MedGen C0023976, MeSH D008133, MONDO:0002442. Disease mechanism: loss of function. Inheritance: Various modes of inheritance.
Cardiovascular phenotype. Identifiers: MedGen CN230736.

Allele frequency attached by ClinVar (database versions not stated): gnomAD exomes below 0.00001 and 0.00001; ExAC 0.00001; gnomAD 0.00001; 1000 Genomes Project 0.00020; 1000 Genomes Project 30x 0.00031.
gnomAD v4.1: 10 of 1,614,050 alleles (0.00062%); highest among the groups gnomAD compares: Admixed American, 0.0017%; no homozygotes.

Submissions (2):

Ambry Genetics
Classification: Uncertain significance for Cardiovascular phenotype. Last evaluated: 2024-11-18. Review status: criteria provided, single submitter. Criteria: Ambry Variant Classification Scheme 2023. Collection method: clinical testing. Allele origin: germline.
Comment: The p.M2525I variant (also known as c.7575G>A), located in coding exon 31 of the AKAP9 gene, results from a G to A substitution at nucleotide position 7575. The methionine at codon 2525 is replaced by isoleucine, an amino acid with highly similar properties. This amino acid position is conserved. In addition, this alteration is predicted to be tolerated by in silico analysis. Based on the available evidence, the clinical significance of this variant remains unclear.

Labcorp Genetics (formerly Invitae), Labcorp
Classification: Uncertain significance for Long QT syndrome. Last evaluated: 2024-11-11. Review status: criteria provided, single submitter. Criteria: Invitae Variant Classification Sherloc (09022015). Collection method: clinical testing. Allele origin: germline.
Comment: This sequence change replaces methionine, which is neutral and non-polar, with isoleucine, which is neutral and non-polar, at codon 2525 of the AKAP9 protein (p.Met2525Ile). This variant is not present in population databases (gnomAD no frequency). This variant has not been reported in the literature in individuals affected with AKAP9-related conditions. ClinVar contains an entry for this variant (Variation ID: 1419420). An algorithm developed to predict the effect of missense changes on protein structure and function outputs the following: PolyPhen-2: "Benign". The isoleucine amino acid residue is found in multiple mammalian species, which suggests that this missense change does not adversely affect protein function. In summary, the available evidence is currently insufficient to determine the role of this variant in disease. Therefore, it has been classified as a Variant of Uncertain Significance.

NM_005751.5(AKAP9):c.7575G>A (p.Met2525Ile)

Gene: AKAP9 (A-kinase anchoring protein 9; plus strand). Cytogenetic location: 7q21.2.
Variant type: single nucleotide variant.
Coding change: c.7575G>A on transcript NM_005751.5 (MANE Select); coding-DNA position 7575, G replaced by A.
Protein change: p.Met2525Ile; replaces methionine 2525 with isoleucine.
Molecular consequence: missense variant.
Genome position (GRCh38, 1-based): chr7:92,079,708, G>A. VCF-style: chr7-92079708-G-A. GRCh37 (hg19) VCF-style: chr7-91709022-G-A.
Other names: c.2220G>A, p.Met740Ile (NM_001379277.1); c.7551G>A, p.Met2517Ile (NM_147185.3); c.7575G>A (NM_005751.4); short protein forms M2517I, M740I, M2525I.
Identifiers: ClinVar variation 1419420 (VCV001419420.9), dbSNP rs149357648, ClinGen allele CA4337312.